The following is an entry in ClinVar:

NM_153329.4(ALDH16A1):c.789G>A (p.Ala263=)

Gene: ALDH16A1 (aldehyde dehydrogenase 16 family member A1; plus strand). Cytogenetic location: 19q13.33.
Variant type: single nucleotide variant.
Coding change: c.789G>A on transcript NM_153329.4 (MANE Select); coding-DNA position 789, G replaced by A.
Protein change: p.Ala263=; no amino-acid change (alanine 263 retained).
Molecular consequence: synonymous variant. On other transcripts: intron variant (1).
Genome position (GRCh38, 1-based): chr19:49,461,913, G>A. VCF-style: chr19-49461913-G-A. GRCh37 (hg19) VCF-style: chr19-49965170-G-A.
Other names: c.759+113G>A (NM_001145396.2).
Identifiers: ClinVar variation 2650243 (VCV002650243.24), dbSNP rs776050480, ClinGen allele CA9574102.

ClinVar aggregate classification (germline): Likely benign (1 of 4 stars; one submission).

Allele frequency attached by ClinVar (database versions not stated): TOPMed 0.00003; gnomAD 0.00005; ExAC 0.00012.
gnomAD v4.1: 86 of 1,580,750 alleles (0.0054%); highest among the groups gnomAD compares: Middle Eastern, 0.033%; no homozygotes.

Submission:

CeGaT Center for Human Genetics Tuebingen
Classification: Likely benign. Last evaluated: 2023-04-01. Review status: criteria provided, single submitter. Criteria: CeGaT Center For Human Genetics Tuebingen Variant Classification Criteria Version 2. Collection method: clinical testing. Allele origin: germline. Affected: yes. Observed: 1 variant allele.
Comment: ALDH16A1: BP4, BP7